The following is an entry in ClinVar:

ClinVar aggregate classification (germline): Likely benign. Review status: criteria provided, multiple submitters, no conflicts (2 of 4 stars). 2 submissions from 2 submitters: Likely benign (2). Last evaluated 2023-05-22.

Conditions:
RASopathy. Also called: rasopathies; Noonan spectrum disorder. Identifiers: Orphanet 536391, MedGen C5555857, MONDO:0021060.

Allele frequency attached by ClinVar (database versions not stated): TOPMed below 0.00001; gnomAD 0.00003.
gnomAD v4.1: 8 of 1,610,970 alleles (0.0005%); highest among the groups gnomAD compares: Non-Finnish European, 0.00068%; no homozygotes.

Submissions (2):

Labcorp Genetics (formerly Invitae), Labcorp
Classification: Likely benign for RASopathy. Last evaluated: 2023-05-22. Review status: criteria provided, single submitter. Criteria: Invitae Variant Classification Sherloc (09022015). Collection method: clinical testing. Allele origin: germline.

GeneDx
Classification: Likely benign. Last evaluated: 2017-08-15. Review status: criteria provided, single submitter. Criteria: GeneDx Variant Classification (06012015). Collection method: clinical testing. Allele origin: germline. Affected: yes.
Comment: This variant is considered likely benign or benign based on one or more of the following criteria: it is a conservative change, it occurs at a poorly conserved position in the protein, it is predicted to be benign by multiple in silico algorithms, and/or has population frequency not consistent with disease.

NM_005633.4(SOS1):c.88-7T>A

Gene: SOS1 (SOS Ras/Rac guanine nucleotide exchange factor 1; minus strand). Cytogenetic location: 2p22.1.
Variant type: single nucleotide variant.
Coding change: c.88-7T>A on transcript NM_005633.4 (MANE Select); 7 bases into the intron before coding-DNA position 88, T replaced by A.
Molecular consequence: intron variant.
Genome position (GRCh38, 1-based): chr2:39,067,760, A>T on the plus strand (T>A on the coding strand, the complement: SOS1 is on the minus strand). VCF-style: chr2-39067760-A-T. GRCh37 (hg19) VCF-style: chr2-39294901-A-T.
Other names: c.67-7T>A (NM_001382394.1); c.88-7T>A (NM_001382395.1).
Identifiers: ClinVar variation 511497 (VCV000511497.4), dbSNP rs1416502603, ClinGen allele CA532104276.
Genomic context (GRCh38, chr2:39,067,760, plus strand): 5'-ATACTGAAGAGCATCATCATTAGACTCGAGAGTAGGATGAACTTGCCCCTGGACCTATAA[A>T]CAAAAAGCAAAGTAATTAAAATGTGGGTTCCATATCATTAAACAAATTTTTAAAACTTTA-3'